The following is an entry in ClinVar:

NM_001999.4(FBN2):c.3473-318C>T

Gene: FBN2 (fibrillin 2; minus strand). Cytogenetic location: 5q23.3.
Variant type: single nucleotide variant.
Coding change: c.3473-318C>T on transcript NM_001999.4 (MANE Select); 318 bases into the intron before coding-DNA position 3473, C replaced by T.
Molecular consequence: intron variant.
Genome position (GRCh38, 1-based): chr5:128,338,440, G>A on the plus strand (C>T on the coding strand, the complement: FBN2 is on the minus strand). VCF-style: chr5-128338440-G-A. GRCh37 (hg19) VCF-style: chr5-127674132-G-A.
Identifiers: ClinVar variation 683530 (VCV000683530.1), dbSNP rs27859, ClinGen allele CA12105954.

ClinVar aggregate classification (germline): Benign (1 of 4 stars; one submission).

Allele frequency attached by ClinVar (database versions not stated): TOPMed 0.78278; gnomAD 0.78436 and 0.78954; 1000 Genomes Project 30x 0.80200; 1000 Genomes Project 0.80851.
gnomAD v4.1: 120,092 of 152,096 alleles (79%); highest among the groups gnomAD compares: East Asian, 93%; 47,709 homozygotes.

Submission:

GeneDx
Classification: Benign. Last evaluated: 2018-06-18. Review status: criteria provided, single submitter. Criteria: GeneDx Variant Classification (06012015). Collection method: clinical testing. Allele origin: germline. Affected: yes.
Comment: This variant is considered likely benign or benign based on one or more of the following criteria: it is a conservative change, it occurs at a poorly conserved position in the protein, it is predicted to be benign by multiple in silico algorithms, and/or has population frequency not consistent with disease.